The following is an entry in ClinVar:

ClinVar aggregate classification (germline): Uncertain significance (1 of 4 stars; one submission).

Conditions:
Epileptic encephalopathy. Identifiers: MedGen C0543888, HP:0200134.

Allele frequency attached by ClinVar (database versions not stated): ExAC 0.00004; gnomAD exomes 0.00006 and 0.00007; gnomAD 0.00009 and 0.00010; TOPMed 0.00010; ESP Exome Variant Server 0.00015.
gnomAD v4.1: 115 of 1,610,834 alleles (0.0071%); highest among the groups gnomAD compares: African/African-American, 0.017%; no homozygotes.

Submission:

Labcorp Genetics (formerly Invitae), Labcorp
Classification: Uncertain significance for Epileptic encephalopathy. Last evaluated: 2026-02-02. Review status: criteria provided, single submitter. Criteria: Invitae Variant Classification Sherloc (09022015). Collection method: clinical testing. Allele origin: germline.
Comment: This sequence change replaces arginine, which is basic and polar, with histidine, which is basic and polar, at codon 468 of the FASN protein (p.Arg468His). This variant is present in population databases (rs368756460, gnomAD 0.03%). This variant has not been reported in the literature in individuals affected with FASN-related conditions. ClinVar contains an entry for this variant (Variation ID: 569039). An algorithm developed to predict the effect of missense changes on protein structure and function outputs the following: PolyPhen-2: "Possibly Damaging". The histidine amino acid residue is found in multiple mammalian species, which suggests that this missense change does not adversely affect protein function. In summary, the available evidence is currently insufficient to determine the role of this variant in disease. Therefore, it has been classified as a Variant of Uncertain Significance.

NM_004104.5(FASN):c.1403G>A (p.Arg468His)

Gene: FASN (fatty acid synthase; minus strand). Cytogenetic location: 17q25.3.
Variant type: single nucleotide variant.
Coding change: c.1403G>A on transcript NM_004104.5 (MANE Select); coding-DNA position 1403, G replaced by A.
Protein change: p.Arg468His; replaces arginine 468 with histidine.
Molecular consequence: missense variant.
Genome position (GRCh38, 1-based): chr17:82,091,311, C>T on the plus strand (G>A on the coding strand, the complement: FASN is on the minus strand). VCF-style: chr17-82091311-C-T. GRCh37 (hg19) VCF-style: chr17-80049187-C-T.
Other names: short protein forms R468H.
Identifiers: ClinVar variation 569039 (VCV000569039.10), dbSNP rs368756460, ClinGen allele CA8853175.